The following is an entry in ClinVar:

ClinVar aggregate classification (germline): Likely benign. Review status: criteria provided, multiple submitters, no conflicts (2 of 4 stars). 3 submissions from 3 submitters: Likely benign (3). Last evaluated 2026-05-09.

Conditions:
Joubert syndrome 8 (JBTS8). Identifiers: Orphanet 475, MedGen C2676771, MONDO:0012855, OMIM 612291.
ARL13B-related disorder. Also called: ARL13B-related condition.

Allele frequency attached by ClinVar (database versions not stated): gnomAD 0.00001; TOPMed 0.00001.
gnomAD v4.1: 17 of 1,613,910 alleles (0.0011%); highest among the groups gnomAD compares: East Asian, 0.0067%; no homozygotes.

Submissions (3):

PreventionGenetics, part of Exact Sciences
Classification: Likely benign for ARL13B-related condition. Last evaluated: 2026-05-09. Review status: criteria provided, single submitter. Criteria: ACMG Guidelines, 2015. Collection method: clinical testing. Allele origin: germline.
Comment: This variant is classified as likely benign based on ACMG/AMP sequence variant interpretation guidelines (Richards et al. 2015 PMID: 25741868, with internal and published modifications).

Labcorp Genetics (formerly Invitae), Labcorp
Classification: Likely benign for Joubert syndrome 8. Last evaluated: 2026-01-15. Review status: criteria provided, single submitter. Criteria: Invitae Variant Classification Sherloc (09022015). Collection method: clinical testing. Allele origin: germline.

Blueprint Genetics
Classification: Likely benign. Last evaluated: 2024-10-23. Review status: criteria provided, single submitter. Criteria: ACMG Guidelines, 2015. Collection method: clinical testing. Allele origin: germline.

NM_001174150.2(ARL13B):c.507G>A (p.Ser169=)

Gene: ARL13B (ARF like GTPase 13B; plus strand). Cytogenetic location: 3q11.2.
Variant type: single nucleotide variant.
Coding change: c.507G>A on transcript NM_001174150.2 (MANE Select); coding-DNA position 507, G replaced by A.
Protein change: p.Ser169=; no amino-acid change (serine 169 retained).
Molecular consequence: synonymous variant. On other transcripts: non-coding transcript variant (2).
Genome position (GRCh38, 1-based): chr3:94,036,572, G>A. VCF-style: chr3-94036572-G-A. GRCh37 (hg19) VCF-style: chr3-93755416-G-A.
Other names: c.198G>A, p.Ser66= (NM_001174151.2); c.462G>A, p.Ser154= (NM_001321328.2); c.186G>A, p.Ser62= (NM_144996.4); c.507G>A, p.Ser169= (NM_182896.3).
Identifiers: ClinVar variation 705320 (VCV000705320.10), dbSNP rs199847439, ClinGen allele CA78534178.